The following is an entry in ClinVar:

NM_001145715.3(KPNA7):c.900G>A (p.Leu300=)

Gene: KPNA7 (karyopherin subunit alpha 7; minus strand). Cytogenetic location: 7q22.1.
Variant type: single nucleotide variant.
Coding change: c.900G>A on transcript NM_001145715.3 (MANE Select); coding-DNA position 900, G replaced by A.
Protein change: p.Leu300=; no amino-acid change (leucine 300 retained).
Molecular consequence: synonymous variant.
Genome position (GRCh38, 1-based): chr7:99,188,300, C>T on the plus strand (G>A on the coding strand, the complement: KPNA7 is on the minus strand). VCF-style: chr7-99188300-C-T. GRCh37 (hg19) VCF-style: chr7-98785923-C-T.
Identifiers: ClinVar variation 2056857 (VCV002056857.4), dbSNP rs2535458711, ClinGen allele CA456842435.
Genomic context (GRCh38, chr7:99,188,300, plus strand): 5'-ACCTGCTAAAGTGACTATGACCCGAGGACTCGAATCCACAGGGCCCAGGATTGCATTTAC[C>T]AAGACATTGAGTTCTGAGCTGGTCATGAGCACTACCAGCCTGGGCAGGACCCCCGTGTTA-3'
Protein context (NP_001139187.1, residues 290-310): VLMTSSELNV[Leu300=]TPSLRTVGNI

ClinVar aggregate classification (germline): Uncertain significance (1 of 4 stars; one submission).

Allele frequency attached by ClinVar (database versions not stated): gnomAD exomes 0.00001.

Submission:

Labcorp Genetics (formerly Invitae), Labcorp
Classification: Uncertain significance. Last evaluated: 2026-02-02. Review status: criteria provided, single submitter. Criteria: Invitae Variant Classification Sherloc (09022015). Collection method: clinical testing. Allele origin: germline.
Comment: This sequence change affects codon 300 of the KPNA7 mRNA. It is a 'silent' change, meaning that it does not change the encoded amino acid sequence of the KPNA7 protein. This variant also falls at the last nucleotide of exon 6, which is part of the consensus splice site for this exon. This variant is not present in population databases (gnomAD no frequency). This variant has not been reported in the literature in individuals affected with KPNA7-related conditions. ClinVar contains an entry for this variant (Variation ID: 2056857). Variants that disrupt the consensus splice site are a relatively common cause of aberrant splicing (PMID: 17576681, 9536098). Algorithms developed to predict the effect of sequence changes on RNA splicing suggest that this variant may disrupt the consensus splice site. In summary, the available evidence is currently insufficient to determine the role of this variant in disease. Therefore, it has been classified as a Variant of Uncertain Significance.

Literature cited by the submitters: PubMed 17576681; PubMed 9536098.